The following is an entry in ClinVar:

NM_003919.3(SGCE):c.580del (p.Glu194fs)

Genes: CASD1 (CAS1 domain sialic acid O acetyltransferase 1; plus strand), SGCE (sarcoglycan epsilon; minus strand). Cytogenetic location: 7q21.3.
Variant type: Deletion.
Coding change: c.580del on transcript NM_003919.3 (MANE Select); coding-DNA position 580, one base deleted (G; older notation c.580delG).
Protein change: p.Glu194fs; shifts the reading frame from glutamic acid 194.
Molecular consequence: frameshift variant.
Genome position (GRCh38, 1-based): chr7:94,618,840, C deleted on the plus strand (G on the coding strand, the reverse complement: SGCE is on the minus strand). VCF-style (leftmost placement, unchanged base first): chr7-94618839-TC-T. GRCh37 (hg19) VCF-style: chr7-94248151-TC-T.
Other names: c.580del, p.Glu194fs (NM_001099400.2, NM_001099401.2, NM_001346717.2); c.457del, p.Glu153fs (NM_001301139.2, NM_001362809.2); c.688del, p.Glu230fs (NM_001346713.2, NM_001346715.2); c.493del, p.Glu165fs (NM_001346719.2, NM_001362807.2); c.307del, p.Glu103fs (NM_001346720.2, NM_001362808.2); short protein forms E165fs, E153fs, E194fs, E103fs, E230fs.
Identifiers: ClinVar variation 1440019 (VCV001440019.8), dbSNP rs2116881481, ClinGen allele CA2573142501.

ClinVar aggregate classification (germline): Pathogenic (1 of 4 stars; one submission).

Conditions:
Myoclonic dystonia 11 (DYT11). Also called: Myoclonic dystonia; Dystonia 11; Dystonia, alcohol responsive; Hereditary essential myoclonus; SGCE Myoclonus-Dystonia; Myoclonus-Dystonia. Identifiers: Orphanet 36899, MedGen C1834570, MONDO:0008044, OMIM 159900.

Submission:

Labcorp Genetics (formerly Invitae), Labcorp
Classification: Pathogenic for Myoclonic dystonia 11. Last evaluated: 2025-11-17. Review status: criteria provided, single submitter. Criteria: Invitae Variant Classification Sherloc (09022015). Collection method: clinical testing. Allele origin: germline.
Comment: This sequence change creates a premature translational stop signal (p.Glu194Serfs*3) in the SGCE gene. It is expected to result in an absent or disrupted protein product. Loss-of-function variants in SGCE are known to be pathogenic (PMID: 12821748, 15389977, 17853490, 24297365). This variant is not present in population databases (gnomAD no frequency). This variant has not been reported in the literature in individuals affected with SGCE-related conditions. ClinVar contains an entry for this variant (Variation ID: 1440019). Algorithms developed to predict the effect of sequence changes on RNA splicing suggest that this variant may disrupt the consensus splice site. For these reasons, this variant has been classified as Pathogenic.

Literature cited by the submitters: PubMed 12821748; PubMed 15389977; PubMed 17853490; PubMed 24297365.